The following is an entry in ClinVar:

NM_000297.4(PKD2):c.1140G>A (p.Trp380Ter)

Gene: PKD2 (polycystin 2, transient receptor potential cation channel; plus strand). Cytogenetic location: 4q22.1.
Variant type: single nucleotide variant.
Coding change: c.1140G>A on transcript NM_000297.4 (MANE Select); coding-DNA position 1140, G replaced by A.
Protein change: p.Trp380Ter; replaces tryptophan 380 with a stop codon.
Molecular consequence: nonsense. On other transcripts: non-coding transcript variant (1).
Genome position (GRCh38, 1-based): chr4:88,043,278, G>A. VCF-style: chr4-88043278-G-A. GRCh37 (hg19) VCF-style: chr4-88964430-G-A.
Other names: short protein forms W380*.
Identifiers: ClinVar variation 1806806 (VCV001806806.3), dbSNP rs2475915541, ClinGen allele CA357615489.

ClinVar aggregate classification (germline): Pathogenic. Review status: criteria provided, multiple submitters, no conflicts (2 of 4 stars). 2 submissions from 2 submitters: Pathogenic (2). Last evaluated 2025-03-03.

Conditions:
Polycystic kidney disease 2 (PKD2). Also called: POLYCYSTIC KIDNEY DISEASE, ADULT, TYPE II; Polycystic Kidney Disease 2, Autosomal Dominant; POLYCYSTIC KIDNEY DISEASE 2 WITH OR WITHOUT POLYCYSTIC LIVER DISEASE. Identifiers: MedGen C2751306, MONDO:0013131, OMIM 613095.

Submissions (2):

GeneDx
Classification: Pathogenic. Last evaluated: 2025-03-03. Review status: criteria provided, single submitter. Criteria: GeneDx Variant Classification Process June 2021. Collection method: clinical testing. Allele origin: germline. Affected: yes.
Comment: Nonsense variant predicted to result in protein truncation or nonsense mediated decay in a gene for which loss of function is a known mechanism of disease; Not observed at significant frequency in large population cohorts (gnomAD); This variant is associated with the following publications: (PMID: 22508176)

Department of Pathology and Laboratory Medicine, Sinai Health System
Classification: Pathogenic for Polycystic kidney disease 2. Last evaluated: 2024-07-11. Review status: criteria provided, single submitter. Criteria: ACMG Guidelines, 2015. Collection method: clinical testing. Allele origin: germline.